The following is an entry in ClinVar:

NC_000017.10:g.(?_422368)_(708507_?)dup

Genes: GEMIN4 (gem nuclear organelle associated protein 4; minus strand), GLOD4 (glyoxalase domain containing 4; minus strand), MRM3 (mitochondrial rRNA methyltransferase 3; plus strand), NXN (nucleoredoxin; minus strand), TLCD3A (TLC domain containing 3A; plus strand) and 1 more. Cytogenetic location: 17p13.3.
Variant type: Duplication.
Identifiers: ClinVar variation 3243207 (VCV003243207.1).

ClinVar aggregate classification (germline): Uncertain significance (1 of 4 stars; one submission).

Submission:

Labcorp Genetics (formerly Invitae), Labcorp
Classification: Uncertain significance. Last evaluated: 2022-11-16. Review status: criteria provided, single submitter. Criteria: Invitae Variant Classification Sherloc (09022015). Collection method: clinical testing. Allele origin: unknown.
Comment: In summary, the available evidence is currently insufficient to determine the role of this variant in disease. Therefore, it has been classified as a Variant of Uncertain Significance. Experimental studies and prediction algorithms are not available or were not evaluated, and the functional significance of this variant is currently unknown. This variant has not been reported in the literature in individuals affected with NXN-related conditions. This variant results in a copy number gain of the genomic region encompassing exon(s) 6-8 of the NXN gene. This region includes the termination codon of the gene. This copy number gain extends beyond the assayed region for this gene and therefore may encompass additional genes. As the precise location of this event is unknown, it may be in tandem or it may be located elsewhere in the genome.